The following is an entry in ClinVar:

NM_004304.5(ALK):c.2147G>A (p.Ser716Asn)

Gene: ALK (ALK receptor tyrosine kinase; minus strand). Cytogenetic location: 2p23.2.
Variant type: single nucleotide variant.
Coding change: c.2147G>A on transcript NM_004304.5 (MANE Select); coding-DNA position 2147, G replaced by A.
Protein change: p.Ser716Asn; replaces serine 716 with asparagine.
Molecular consequence: missense variant.
Genome position (GRCh38, 1-based): chr2:29,251,162, C>T on the plus strand (G>A on the coding strand, the complement: ALK is on the minus strand). VCF-style: chr2-29251162-C-T. GRCh37 (hg19) VCF-style: chr2-29474028-C-T.
Other names: short protein forms S716N.
Identifiers: ClinVar variation 3285979 (VCV003285979.1).
Genomic context (GRCh38, chr2:29,251,162, plus strand): 5'-CACCTGTAGGTGTCGGTGGCTGGCACCTTCCAGATCTGGATGCCTTTCAGGGGGCCCTCG[C>T]TCCCCACCTCCACGCTCAGGTTGGAGTTCTGGTAGGCGTTGTTGCACTGTGCCTGGGTGG-3'
Protein context (NP_004295.2, residues 706-726): QNSNLSVEVG[Ser716Asn]EGPLKGIQIW

ClinVar aggregate classification (germline): Uncertain significance (1 of 4 stars; one submission).

Conditions:
Hereditary cancer-predisposing syndrome. Also called: Tumor predisposition; Hereditary Cancer Syndrome; Hereditary neoplastic syndrome; Neoplastic Syndromes, Hereditary. Identifiers: Orphanet 140162, MedGen C0027672, MeSH D009386, MONDO:0015356.

Submission:

Ambry Genetics
Classification: Uncertain significance for Hereditary cancer-predisposing syndrome. Last evaluated: 2024-04-22. Review status: criteria provided, single submitter. Criteria: Ambry Variant Classification Scheme 2023. Collection method: clinical testing. Allele origin: germline.
Comment: The p.S716N variant (also known as c.2147G>A), located in coding exon 12 of the ALK gene, results from a G to A substitution at nucleotide position 2147. The serine at codon 716 is replaced by asparagine, an amino acid with highly similar properties. This amino acid position is conserved. In addition, this alteration is predicted to be tolerated by in silico analysis. Based on the available evidence, the clinical significance of this variant remains unclear.